The following is an entry in ClinVar:

NM_058216.3(RAD51C):c.780G>C (p.Arg260=)

Gene: RAD51C (RAD51 paralog C; plus strand). Cytogenetic location: 17q22.
Variant type: single nucleotide variant.
Coding change: c.780G>C on transcript NM_058216.3 (MANE Select); coding-DNA position 780, G replaced by C.
Protein change: p.Arg260=; no amino-acid change (arginine 260 retained).
Molecular consequence: synonymous variant. On other transcripts: non-coding transcript variant (1).
Genome position (GRCh38, 1-based): chr17:58,709,933, G>C. VCF-style: chr17-58709933-G-C. GRCh37 (hg19) VCF-style: chr17-56787294-G-C.
Identifiers: ClinVar variation 3904196 (VCV003904196.1).

ClinVar aggregate classification (germline): Benign (1 of 4 stars; one submission).

Conditions:
Breast-ovarian cancer, familial, susceptibility to, 3. Also called: RAD51C-Related Breast/Ovarian Cancer. Identifiers: Orphanet 145, MedGen C3150659, MONDO:0013253, OMIM 613399.

Submission:

Myriad Genetics, Inc.
Classification: Benign for Breast-ovarian cancer, familial, susceptibility to, 3. Last evaluated: 2025-02-19. Review status: criteria provided, single submitter. Criteria: Myriad Autosomal Dominant, Autosomal Recessive and X-Linked Classification Criteria (2023). Collection method: clinical testing. Allele origin: unknown.
Comment: This variant is considered benign. This variant is a silent/synonymous amino acid change and it is not expected to impact splicing.